The following is an entry in ClinVar:

NM_176869.3(PPA2):c.321+6G>A

Gene: PPA2 (inorganic pyrophosphatase 2; minus strand). Cytogenetic location: 4q24.
Variant type: single nucleotide variant.
Coding change: c.321+6G>A on transcript NM_176869.3 (MANE Select); 6 bases into the intron after coding-DNA position 321, G replaced by A.
Molecular consequence: intron variant.
Genome position (GRCh38, 1-based): chr4:105,449,344, C>T on the plus strand (G>A on the coding strand, the complement: PPA2 is on the minus strand). VCF-style: chr4-105449344-C-T. GRCh37 (hg19) VCF-style: chr4-106370501-C-T.
Other names: c.157+24550G>A (NM_176867.3); c.222+7337G>A (NM_176866.2); c.321+6G>A (NM_006903.4).
Identifiers: ClinVar variation 1353846 (VCV001353846.4), dbSNP rs767370442, ClinGen allele CA3032605.
Genomic context (GRCh38, chr4:105,449,344, plus strand): 5'-AACTTGCAACAAAGTTTTATATCATTATAATCATTTCGGTTTCATATTAATAAAGTATAT[C>T]GGTACCTCCATTTTAGCATTTGTCCACCGAGGTATTTCTACAATCATATTAAACAGATTC-3'

ClinVar aggregate classification (germline): Uncertain significance (1 of 4 stars; one submission).

gnomAD v4.1: 12 of 1,535,126 alleles (0.00078%); highest among the groups gnomAD compares: East Asian, 0.0069%; no homozygotes.

Submission:

Labcorp Genetics (formerly Invitae), Labcorp
Classification: Uncertain significance. Last evaluated: 2022-11-01. Review status: criteria provided, single submitter. Criteria: Invitae Variant Classification Sherloc (09022015). Collection method: clinical testing. Allele origin: germline.
Comment: In summary, the available evidence is currently insufficient to determine the role of this variant in disease. Therefore, it has been classified as a Variant of Uncertain Significance. Variants that disrupt the consensus splice site are a relatively common cause of aberrant splicing (PMID: 17576681, 9536098). Algorithms developed to predict the effect of sequence changes on RNA splicing suggest that this variant is not likely to affect RNA splicing. ClinVar contains an entry for this variant (Variation ID: 1353846). This variant has not been reported in the literature in individuals affected with PPA2-related conditions. This variant is present in population databases (rs767370442, gnomAD 0.01%). This sequence change falls in intron 4 of the PPA2 gene. It does not directly change the encoded amino acid sequence of the PPA2 protein. It affects a nucleotide within the consensus splice site.

Literature cited by the submitters: PubMed 17576681; PubMed 9536098.